The following is an entry in ClinVar:

ClinVar aggregate classification (germline): Uncertain significance (1 of 4 stars; one submission).

Conditions:
Alstrom syndrome (ALMS). Identifiers: Orphanet 64, MedGen C0268425, MONDO:0008763, OMIM 203800.

Allele frequency attached by ClinVar (database versions not stated): gnomAD exomes 0.00001.
gnomAD v4.1: 9 of 1,612,112 alleles (0.00056%); highest among the groups gnomAD compares: Non-Finnish European, 0.00068%; no homozygotes.

Submission:

Labcorp Genetics (formerly Invitae), Labcorp
Classification: Uncertain significance for Alstrom syndrome. Last evaluated: 2022-10-13. Review status: criteria provided, single submitter. Criteria: Invitae Variant Classification Sherloc (09022015). Collection method: clinical testing. Allele origin: germline.
Comment: This sequence change replaces glutamic acid, which is acidic and polar, with glutamine, which is neutral and polar, at codon 2785 of the ALMS1 protein (p.Glu2785Gln). This variant is present in population databases (no rsID available, gnomAD 0.0009%). This variant has not been reported in the literature in individuals affected with ALMS1-related conditions. Experimental studies and prediction algorithms are not available or were not evaluated, and the functional significance of this variant is currently unknown. In summary, the available evidence is currently insufficient to determine the role of this variant in disease. Therefore, it has been classified as a Variant of Uncertain Significance.

NM_001378454.1(ALMS1):c.8350G>C (p.Glu2784Gln)

Gene: ALMS1 (ALMS1 centrosome and basal body associated protein; plus strand). Cytogenetic location: 2p13.1.
Variant type: single nucleotide variant.
Coding change: c.8350G>C on transcript NM_001378454.1 (MANE Select); coding-DNA position 8350, G replaced by C.
Protein change: p.Glu2784Gln; replaces glutamic acid 2784 with glutamine.
Molecular consequence: missense variant.
Genome position (GRCh38, 1-based): chr2:73,490,309, G>C. VCF-style: chr2-73490309-G-C. GRCh37 (hg19) VCF-style: chr2-73717436-G-C.
Other names: c.8353G>C, p.Glu2785Gln (NM_015120.4); short protein forms E2785Q, E2784Q.
Identifiers: ClinVar variation 1926014 (VCV001926014.2), dbSNP rs1458798015, ClinGen allele CA347268402.